The following is an entry in ClinVar:

ClinVar aggregate classification (germline): Conflicting classifications of pathogenicity. Review status: criteria provided, conflicting classifications (1 of 4 stars). 3 submissions from 3 submitters: Uncertain significance (2); Likely benign (1). Last evaluated 2024-06-03.

Conditions:
Inborn genetic diseases. Identifiers: MedGen C0950123, MeSH D030342.
Autosomal dominant nonsyndromic hearing loss 5. Identifiers: Orphanet 90635, MedGen C1832932, MONDO:0010973, OMIM 600994.

Allele frequency attached by ClinVar (database versions not stated): gnomAD exomes 0.00001; gnomAD 0.00002; TOPMed 0.00005; ExAC 0.00011.
gnomAD v4.1: 17 of 1,613,916 alleles (0.0011%); highest among the groups gnomAD compares: East Asian, 0.031%; no homozygotes.

Submissions (3):

Labcorp Genetics (formerly Invitae), Labcorp
Classification: Likely benign. Last evaluated: 2024-06-03. Review status: criteria provided, single submitter. Criteria: Invitae Variant Classification Sherloc (09022015). Collection method: clinical testing. Allele origin: germline.

Ambry Genetics
Classification: Uncertain significance for Inborn genetic diseases. Last evaluated: 2023-01-10. Review status: criteria provided, single submitter. Criteria: Ambry Variant Classification Scheme 2023. Collection method: clinical testing. Allele origin: germline.

Juno Genomics, Hangzhou Juno Genomics, Inc
Classification: Uncertain significance for Autosomal dominant nonsyndromic hearing loss 5. Review status: criteria provided, single submitter. Criteria: ACMG Guidelines, 2015. Collection method: clinical testing. Allele origin: germline. Affected: yes.
Comment: Absent from controls (or at extremely low frequency if recessive) in Genome Aggregation Database, Exome Sequencing Project, 1000 Genomes Project, or Exome Aggregation Consortium.

NM_001127453.2(GSDME):c.1454T>G (p.Leu485Arg)

Gene: GSDME (gasdermin E; minus strand). Cytogenetic location: 7p15.3.
Variant type: single nucleotide variant.
Coding change: c.1454T>G on transcript NM_001127453.2 (MANE Select); coding-DNA position 1454, T replaced by G.
Protein change: p.Leu485Arg; replaces leucine 485 with arginine.
Molecular consequence: missense variant.
Genome position (GRCh38, 1-based): chr7:24,699,063, A>C on the plus strand (T>G on the coding strand, the complement: GSDME is on the minus strand). VCF-style: chr7-24699063-A-C. GRCh37 (hg19) VCF-style: chr7-24738682-A-C.
Other names: c.962T>G, p.Leu321Arg (NM_001127454.2); c.1454T>G, p.Leu485Arg (NM_004403.3); short protein forms L321R, L485R.
Identifiers: ClinVar variation 2470839 (VCV002470839.7), dbSNP rs753365638, ClinGen allele CA4191268.